The following is an entry in ClinVar:

ClinVar aggregate classification (germline): Conflicting classifications of pathogenicity. Review status: criteria provided, conflicting classifications (1 of 4 stars). 5 submissions from 5 submitters: Uncertain significance (4); Likely benign (1). Last evaluated 2025-07-27.

Conditions:
Lynch syndrome. Identifiers: Orphanet 144, MedGen C4552100, MONDO:0005835. Disease mechanism: loss of function.
Hereditary cancer-predisposing syndrome. Also called: Hereditary Cancer Syndrome; Neoplastic Syndromes, Hereditary; Tumor predisposition; Hereditary neoplastic syndrome. Identifiers: Orphanet 140162, MedGen C0027672, MeSH D009386, MONDO:0015356.
Endometrial carcinoma. Also called: Endometrial carcinoma, somatic. Identifiers: MedGen C0476089, MONDO:0002447, OMIM 608089, HP:0012114.
Hereditary nonpolyposis colorectal neoplasms. Identifiers: MedGen C0009405, MeSH D003123.

Allele frequency attached by ClinVar (database versions not stated): gnomAD exomes below 0.00001.
gnomAD v4.1: 3 of 1,614,164 alleles (0.00019%); highest among the groups gnomAD compares: Admixed American, 0.0033%; no homozygotes.

Submissions (5):

Labcorp Genetics (formerly Invitae), Labcorp
Classification: Likely benign for Hereditary nonpolyposis colorectal neoplasms. Last evaluated: 2025-07-27. Review status: criteria provided, single submitter. Criteria: Invitae Variant Classification Sherloc (09022015). Collection method: clinical testing. Allele origin: germline.

Ambry Genetics
Classification: Uncertain significance for Hereditary cancer-predisposing syndrome. Last evaluated: 2024-09-06. Review status: criteria provided, single submitter. Criteria: Ambry Variant Classification Scheme 2023. Collection method: clinical testing. Allele origin: germline.
Comment: The p.T563S variant (also known as c.1688C>G), located in coding exon 4 of the MSH6 gene, results from a C to G substitution at nucleotide position 1688. The threonine at codon 563 is replaced by serine, an amino acid with similar properties. This amino acid position is not well conserved in available vertebrate species. In addition, the in silico prediction for this alteration is inconclusive. Since supporting evidence is limited at this time, the clinical significance of this alteration remains unclear.

Color Diagnostics, LLC DBA Color Health
Classification: Uncertain significance for Hereditary cancer-predisposing syndrome. Last evaluated: 2024-03-06. Review status: criteria provided, single submitter. Criteria: ACMG Guidelines, 2015. Collection method: clinical testing. Allele origin: germline.
Comment: This missense variant replaces threonine with serine at codon 563 of the MSH6 protein. Computational prediction is inconclusive regarding the impact of this variant on protein structure and function (internally defined REVEL score threshold 0.5 < inconclusive < 0.7, PMID: 27666373). To our knowledge, functional studies have not been reported for this variant. This variant has not been reported in individuals affected with MSH6-related disorders in the literature. This variant has been identified in 1/250358 chromosomes in the general population by the Genome Aggregation Database (gnomAD). The available evidence is insufficient to determine the role of this variant in disease conclusively. Therefore, this variant is classified as a Variant of Uncertain Significance.

All of Us Research Program, National Institutes of Health
Classification: Uncertain significance for Lynch syndrome. Last evaluated: 2024-02-22. Review status: criteria provided, single submitter. Criteria: ACMG Guidelines, 2015. Collection method: clinical testing. Allele origin: germline. Inheritance: Autosomal dominant inheritance. Observed: 1 variant allele, 1 heterozygote.
Comment: This missense variant replaces threonine with serine at codon 563 of the MSH6 protein. Computational prediction is inconclusive regarding the impact of this variant on protein structure and function (internally defined REVEL score threshold 0.5 < inconclusive < 0.7, PMID: 27666373). To our knowledge, functional studies have not been reported for this variant. This variant has not been reported in individuals affected with MSH6-related disorders in the literature. This variant has been identified in 1/250358 chromosomes in the general population by the Genome Aggregation Database (gnomAD). The available evidence is insufficient to determine the role of this variant in disease conclusively. Therefore, this variant is classified as a Variant of Uncertain Significance.

This study involves interpretation of variants in research participants for the purpose of population health screening. Participant phenotype was not available at the time of variant classification. Additional details can be found in publication PMID: 35346344, PMCID: PMC8962531

Baylor Genetics
Classification: Uncertain significance for Endometrial carcinoma. Last evaluated: 2023-08-11. Review status: criteria provided, single submitter. Criteria: ACMG Guidelines, 2015. Collection method: clinical testing. Allele origin: unknown.

NM_000179.3(MSH6):c.1688C>G (p.Thr563Ser)

Gene: MSH6 (mutS homolog 6; plus strand). Cytogenetic location: 2p16.3.
Variant type: single nucleotide variant.
Coding change: c.1688C>G on transcript NM_000179.3 (MANE Select); coding-DNA position 1688, C replaced by G.
Protein change: p.Thr563Ser; replaces threonine 563 with serine.
Molecular consequence: missense variant.
Genome position (GRCh38, 1-based): chr2:47,799,671, C>G. VCF-style: chr2-47799671-C-G. GRCh37 (hg19) VCF-style: chr2-48026810-C-G.
Other names: c.1298C>G, p.Thr433Ser (NM_001281492.2); c.782C>G, p.Thr261Ser (NM_001281493.2, NM_001281494.2); short protein forms T563S, T433S, T261S.
Identifiers: ClinVar variation 489967 (VCV000489967.21), dbSNP rs1386014501, ClinGen allele CA346747515.